The following is an entry in ClinVar:

ClinVar aggregate classification (germline): Uncertain significance. Review status: criteria provided, single submitter (1 of 4 stars). 2 submissions from 2 submitters: Uncertain significance (1). 1 of the submissions does not count toward it. Last evaluated 2021-09-01.

Conditions:
Odonto-onycho-dermal dysplasia. Identifiers: Orphanet 2721, MedGen C0796093, MONDO:0009773, OMIM 257980.
Tooth agenesis, selective, 4 (STHAG4). Also called: LATERAL INCISORS, ABSENCE OF; LATERAL INCISORS, PEGGED OR MISSING; SUCCEDANEOUS TEETH, AGENESIS OF; TOOTH AGENESIS, SELECTIVE, 4, WITH OR WITHOUT ECTODERMAL DYSPLASIA. Identifiers: Orphanet 99798, MedGen C1835492, MONDO:0007881, OMIM 150400. Disease mechanism: loss of function.
Schöpf-Schulz-Passarge syndrome. Also called: KERATOSIS PALMOPLANTARIS WITH CYSTIC EYELIDS, HYPODONTIA, AND HYPOTRICHOSIS; SchC6pf-Schulz-Passarge syndrome; ECCRINE TUMORS WITH ECTODERMAL DYSPLASIA. Identifiers: Orphanet 50944, MedGen C1857069, MONDO:0009145, OMIM 224750.

Submissions (2):

Labcorp Genetics (formerly Invitae), Labcorp
Classification: Uncertain significance for Tooth agenesis, selective, 4; Odonto-onycho-dermal dysplasia. Last evaluated: 2021-09-01. Review status: criteria provided, single submitter. Criteria: Invitae Variant Classification Sherloc (09022015). Collection method: clinical testing. Allele origin: germline.
Comment: This variant, c.987_989dup, results in the insertion of 1 amino acid(s) to the WNT10A protein (p.Arg330dup), but otherwise preserves the integrity of the reading frame. This variant is not present in population databases (ExAC no frequency). This variant has not been reported in the literature in individuals affected with WNT10A-related conditions. Experimental studies and prediction algorithms are not available or were not evaluated, and the functional significance of this variant is currently unknown. In summary, the available evidence is currently insufficient to determine the role of this variant in disease. Therefore, it has been classified as a Variant of Uncertain Significance.

Natera, Inc.
Classification: Uncertain significance for Schopf-Schulz-Passarge syndrome. Last evaluated: 2019-11-11. Review status: no assertion criteria provided. Collection method: clinical testing. Allele origin: germline. Not counted in ClinVar's aggregate classification.

NM_025216.3(WNT10A):c.987_989dup (p.Arg330dup)

Gene: WNT10A (Wnt family member 10A; plus strand). Cytogenetic location: 2q35.
Variant type: Duplication.
Coding change: c.987_989dup on transcript NM_025216.3 (MANE Select); coding-DNA positions 987 to 989, 3 bases duplicated (ACG; older notation c.987_989dupACG).
Protein change: p.Arg330dup; duplicates arginine 330.
Molecular consequence: inframe insertion.
Genome position (GRCh38, 1-based): chr2:218,893,004-218,893,006, ACG duplicated; duplicating any 3 consecutive bases within chr2:218,893,002-218,893,006 gives the same sequence; the c. name uses the placement nearest the transcript's 3' end. VCF-style (leftmost placement, unchanged base first): chr2-218893001-C-CCGA. GRCh37 (hg19) VCF-style: chr2-219757723-C-CCGA.
Other names: c.987_989dupACG (NM_025216.2).
Identifiers: ClinVar variation 579717 (VCV000579717.4), dbSNP rs1416466883, ClinGen allele CA539840850.